The following is an entry in ClinVar:

NM_001283009.2(RTEL1):c.424G>A (p.Glu142Lys)

Genes: RTEL1 (regulator of telomere elongation helicase 1; plus strand), RTEL1-TNFRSF6B (RTEL1-TNFRSF6B readthrough (NMD candidate); plus strand). Cytogenetic location: 20q13.33.
Variant type: single nucleotide variant.
Coding change: c.424G>A on transcript NM_001283009.2 (MANE Select); coding-DNA position 424, G replaced by A.
Protein change: p.Glu142Lys; replaces glutamic acid 142 with lysine.
Molecular consequence: missense variant. On other transcripts: non-coding transcript variant (1), 5 prime UTR variant (1).
Genome position (GRCh38, 1-based): chr20:63,662,574, G>A. VCF-style: chr20-63662574-G-A. GRCh37 (hg19) VCF-style: chr20-62293927-G-A.
Other names: c.-246G>A (NM_001283010.1); c.424G>A, p.Glu142Lys (NM_016434.4); c.496G>A, p.Glu166Lys (NM_032957.5); short protein forms E142K, E166K.
Identifiers: ClinVar variation 2929679 (VCV002929679.5), dbSNP rs1406058399, ClinGen allele CA409669565.
Genomic context (GRCh38, chr20:63,662,574, plus strand): 5'-CCTCCTCGACCCACGGTGCTCTCTCCCACCAGGCCTAAGGTGTGTGTGCTGGGCTCCCGG[G>A]AGCAGCTGTGCATCCATCCTGAGGTGAAGAAACAAGAGAGTAACCATCTACAGGTAGGCT-3'
Protein context (NP_001269938.1, residues 132-152): RPKVCVLGSR[Glu142Lys]QLCIHPEVKK

ClinVar aggregate classification (germline): Uncertain significance. Review status: criteria provided, multiple submitters, no conflicts (2 of 4 stars). 3 submissions from 3 submitters: Uncertain significance (3). Last evaluated 2025-10-16.

Conditions:
Dyskeratosis congenita, autosomal recessive 5 (DKCB5). Identifiers: MedGen C3554656, MONDO:0014076, OMIM 615190.
Pulmonary fibrosis and/or bone marrow failure, Telomere-related, 3. Also called: PULMONARY FIBROSIS AND/OR BONE MARROW FAILURE SYNDROME, TELOMERE-RELATED, 3. Identifiers: Orphanet 2032, MedGen C4225346, MONDO:0014613, OMIM 616373.
Inborn genetic diseases. Identifiers: MedGen C0950123, MeSH D030342.

Allele frequency attached by ClinVar (database versions not stated): TOPMed below 0.00001; gnomAD 0.00001.
gnomAD v4.1: 1 of 1,613,874 alleles (0.000062%); highest among the groups gnomAD compares: Non-Finnish European, 0.000085%; no homozygotes.

Submissions (3):

Ambry Genetics
Classification: Uncertain significance for Inborn genetic diseases. Last evaluated: 2025-10-16. Review status: criteria provided, single submitter. Criteria: Ambry Variant Classification Scheme 2023. Collection method: clinical testing. Allele origin: germline.
Comment: The p.E142K variant (also known as c.424G>A), located in coding exon 4 of the RTEL1 gene, results from a G to A substitution at nucleotide position 424. The glutamic acid at codon 142 is replaced by lysine, an amino acid with similar properties. This amino acid position is conserved. In addition, the in silico prediction for this alteration is inconclusive. Based on the available evidence, the clinical significance of this variant remains unclear.

Fulgent Genetics
Classification: Uncertain significance for Dyskeratosis congenita, autosomal recessive 5; Pulmonary fibrosis and/or bone marrow failure, Telomere-related, 3. Last evaluated: 2024-06-09. Review status: criteria provided, single submitter. Criteria: ACMG Guidelines, 2015. Collection method: clinical testing. Allele origin: germline.

Labcorp Genetics (formerly Invitae), Labcorp
Classification: Uncertain significance for Dyskeratosis congenita, autosomal recessive 5; Pulmonary fibrosis and/or bone marrow failure, Telomere-related, 3. Last evaluated: 2024-01-28. Review status: criteria provided, single submitter. Criteria: Invitae Variant Classification Sherloc (09022015). Collection method: clinical testing. Allele origin: germline.
Comment: This sequence change replaces glutamic acid, which is acidic and polar, with lysine, which is basic and polar, at codon 142 of the RTEL1 protein (p.Glu142Lys). This variant is not present in population databases (gnomAD no frequency). This variant has not been reported in the literature in individuals affected with RTEL1-related conditions. An algorithm developed to predict the effect of missense changes on protein structure and function (PolyPhen-2) suggests that this variant is likely to be disruptive. In summary, the available evidence is currently insufficient to determine the role of this variant in disease. Therefore, it has been classified as a Variant of Uncertain Significance.